The following is an entry in ClinVar:

ClinVar aggregate classification (germline): Conflicting classifications of pathogenicity. Review status: criteria provided, conflicting classifications (1 of 4 stars). 2 submissions from 2 submitters: Uncertain significance (1); Likely benign (1). Last evaluated 2025-04-29.

Submissions (2):

Labcorp Genetics (formerly Invitae), Labcorp
Classification: Uncertain significance. Last evaluated: 2025-04-29. Review status: criteria provided, single submitter. Criteria: Invitae Variant Classification Sherloc (09022015). Collection method: clinical testing. Allele origin: germline.
Comment: This sequence change replaces glutamine, which is neutral and polar, with leucine, which is neutral and non-polar, at codon 1209 of the SAMD9 protein (p.Gln1209Leu). This variant is not present in population databases (gnomAD no frequency). This variant has not been reported in the literature in individuals affected with SAMD9-related conditions. ClinVar contains an entry for this variant (Variation ID: 2102902). Invitae Evidence Modeling of protein sequence and biophysical properties (such as structural, functional, and spatial information, amino acid conservation, physicochemical variation, residue mobility, and thermodynamic stability) has been performed for this missense variant. However, the output from this modeling did not meet the statistical confidence thresholds required to predict the impact of this variant on SAMD9 protein function. In summary, the available evidence is currently insufficient to determine the role of this variant in disease. Therefore, it has been classified as a Variant of Uncertain Significance.

CeGaT Center for Human Genetics Tuebingen
Classification: Likely benign. Last evaluated: 2024-05-01. Review status: criteria provided, single submitter. Criteria: CeGaT Center For Human Genetics Tuebingen Variant Classification Criteria Version 2. Collection method: clinical testing. Allele origin: germline. Affected: yes. Observed: 2 variant alleles.
Comment: SAMD9: BP4

NM_017654.4(SAMD9):c.3626A>T (p.Gln1209Leu)

Gene: SAMD9 (sterile alpha motif domain containing 9; minus strand). Cytogenetic location: 7q21.2.
Variant type: single nucleotide variant.
Coding change: c.3626A>T on transcript NM_017654.4 (MANE Select); coding-DNA position 3626, A replaced by T.
Protein change: p.Gln1209Leu; replaces glutamine 1209 with leucine.
Molecular consequence: missense variant.
Genome position (GRCh38, 1-based): chr7:93,102,472, T>A on the plus strand (A>T on the coding strand, the complement: SAMD9 is on the minus strand). VCF-style: chr7-93102472-T-A. GRCh37 (hg19) VCF-style: chr7-92731785-T-A.
Other names: c.3626A>T, p.Gln1209Leu (NM_001193307.2); short protein forms Q1209L.
Identifiers: ClinVar variation 2102902 (VCV002102902.26), dbSNP rs2535355229, ClinGen allele CA368184034.